The following is an entry in ClinVar:

NM_003227.4(TFR2):c.443dup (p.Glu150fs)

Gene: TFR2 (transferrin receptor 2; minus strand). Cytogenetic location: 7q22.1.
Variant type: Duplication.
Coding change: c.443dup on transcript NM_003227.4 (MANE Select); coding-DNA position 443, one base duplicated (T; older notation c.443dupT).
Protein change: p.Glu150fs; shifts the reading frame from glutamic acid 150.
Molecular consequence: frameshift variant.
Genome position (GRCh38, 1-based): chr7:100,640,716, A duplicated on the plus strand (T on the coding strand, the reverse complement: TFR2 is on the minus strand). VCF-style (leftmost placement, unchanged base first): chr7-100640715-C-CA. GRCh37 (hg19) VCF-style: chr7-100238338-C-CA.
Other names: c.443dup (NM_003227.3); short protein forms E150fs.
Identifiers: ClinVar variation 3240588 (VCV003240588.3), dbSNP rs2486146809.

ClinVar aggregate classification (germline): Likely pathogenic. Review status: criteria provided, multiple submitters, no conflicts (2 of 4 stars). 2 submissions from 2 submitters: Likely pathogenic (2). Last evaluated 2025-02-10.

Conditions:
Hemochromatosis type 3 (HFE3). Also called: TFR2-Related Hemochromatosis; HEMOCHROMATOSIS DUE TO DEFECT IN TRANSFERRIN RECEPTOR 2; Hereditary hemochromatosis type 3. Identifiers: Orphanet 225123, MedGen C1858664, MONDO:0011417, OMIM 604250.

Submissions (2):

Natera, Inc.
Classification: Likely pathogenic for Hereditary hemochromatosis type 3. Last evaluated: 2025-02-10. Review status: criteria provided, single submitter. Criteria: Natera Variant Classification Schema (03/2026). Collection method: clinical testing. Allele origin: germline.
Comment: The c.443dup variant in TFR2 is a frameshift variant predicted to shift the reading frame beginning at codon 150 and leads to a stop codon 67 codons downstream. This variant is expected to result in nonsense mediated decay, truncation, or a dysfunctional protein product. This variant is rare in the general population with a frequency below the threshold expected for the associated phenotype(s). Given the available evidence, this variant is classified as Likely Pathogenic.

Baylor Genetics
Classification: Likely pathogenic for Hemochromatosis type 3. Last evaluated: 2024-03-05. Review status: criteria provided, single submitter. Criteria: ACMG Guidelines, 2015. Collection method: clinical testing. Allele origin: unknown.